The following is an entry in ClinVar:

ClinVar aggregate classification (germline): Pathogenic (1 of 4 stars; one submission).

Conditions:
Werner syndrome (WRN). Identifiers: Orphanet 902, MedGen C0043119, MONDO:0010196, OMIM 277700.

Submission:

Labcorp Genetics (formerly Invitae), Labcorp
Classification: Pathogenic for Werner syndrome. Last evaluated: 2023-10-27. Review status: criteria provided, single submitter. Criteria: Invitae Variant Classification Sherloc (09022015). Collection method: clinical testing. Allele origin: germline.
Comment: This sequence change creates a premature translational stop signal (p.Cys717*) in the WRN gene. It is expected to result in an absent or disrupted protein product. Loss-of-function variants in WRN are known to be pathogenic (PMID: 16673358). This variant is not present in population databases (gnomAD no frequency). This variant has not been reported in the literature in individuals affected with WRN-related conditions. For these reasons, this variant has been classified as Pathogenic.

Literature cited by the submitters: PubMed 16673358.

NM_000553.6(WRN):c.2151C>A (p.Cys717Ter)

Gene: WRN (WRN RecQ like helicase; plus strand). Cytogenetic location: 8p12.
Variant type: single nucleotide variant.
Coding change: c.2151C>A on transcript NM_000553.6 (MANE Select); coding-DNA position 2151, C replaced by A.
Protein change: p.Cys717Ter; replaces cysteine 717 with a stop codon.
Molecular consequence: nonsense.
Genome position (GRCh38, 1-based): chr8:31,111,677, C>A. VCF-style: chr8-31111677-C-A. GRCh37 (hg19) VCF-style: chr8-30969193-C-A.
Other names: short protein forms C717*.
Identifiers: ClinVar variation 2760771 (VCV002760771.3), dbSNP rs2130283448, ClinGen allele CA370912580.